The following is an entry in ClinVar:

NM_000285.4(PEPD):c.*211T>C

Gene: PEPD (peptidase D; minus strand). Cytogenetic location: 19q13.11.
Variant type: single nucleotide variant.
Coding change: c.*211T>C on transcript NM_000285.4 (MANE Select); 211 bases downstream of the stop codon, T replaced by C.
Molecular consequence: 3 prime UTR variant.
Genome position (GRCh38, 1-based): chr19:33,387,133, A>G on the plus strand (T>C on the coding strand, the complement: PEPD is on the minus strand). VCF-style: chr19-33387133-A-G. GRCh37 (hg19) VCF-style: chr19-33878039-A-G.
Other names: c.*211T>C (NM_001166056.2, NM_001166057.2).
Identifiers: ClinVar variation 328777 (VCV000328777.7), dbSNP rs3556, ClinGen allele CA10648510.
Genomic context (GRCh38, chr19:33,387,133, plus strand): 5'-CTACTAAAGAACAGCATTATTTTCAATCATTTTAAGTCGCTCATTTAATAAGCAAGGTAT[A>G]AAACAGATTAAAGGTGGGAGCCTGCAAAAGGGTAATTAAAAAAGTGTTTCCTCCCCGGGA-3'

ClinVar aggregate classification (germline): Benign. Review status: criteria provided, multiple submitters, no conflicts (2 of 4 stars). 3 submissions from 3 submitters: Benign (3). Last evaluated 2018-11-12.

Conditions:
Prolidase deficiency. Identifiers: Orphanet 742, MedGen C0268532, MONDO:0008221, OMIM 170100.

Allele frequency attached by ClinVar (database versions not stated): gnomAD exomes 0.23951; 1000 Genomes Project 0.28135; 1000 Genomes Project 30x 0.28326; gnomAD 0.30478 and 0.31307; TOPMed 0.31118.
gnomAD v4.1: 154,034 of 600,984 alleles (26%); highest among the groups gnomAD compares: African/African-American, 47%; 21,552 homozygotes.

Submissions (3):

GeneDx
Classification: Benign. Last evaluated: 2018-11-12. Review status: criteria provided, single submitter. Criteria: GeneDx Variant Classification Process June 2021. Collection method: clinical testing. Allele origin: germline. Affected: yes.

Illumina Laboratory Services, Illumina
Classification: Benign for Prolidase deficiency. Last evaluated: 2018-01-13. Review status: criteria provided, single submitter. Criteria: ICSL Variant Classification Criteria 13 December 2019. Collection method: clinical testing. Allele origin: germline.
Comment: This variant was observed in the ICSL laboratory as part of a predisposition screen in an ostensibly healthy population. It had not been previously curated by ICSL or reported in the Human Gene Mutation Database (HGMD: prior to June 1st, 2018), and was therefore a candidate for classification through an automated scoring system. Utilizing variant allele frequency, disease prevalence and penetrance estimates, and inheritance mode, an automated score was calculated to assess if this variant is too frequent to cause the disease. Based on the score and internal cut-off values, a variant classified as benign is not then subjected to further curation. The score for this variant resulted in a classification of benign for this disease.

Breakthrough Genomics
Classification: Benign. Review status: criteria provided, single submitter. Criteria: ACMG Guidelines, 2015. Collection method: not provided. Allele origin: germline. Inheritance: Autosomal recessive inheritance. Affected: yes.